The following is an entry in ClinVar:

ClinVar aggregate classification (germline): Uncertain significance (1 of 4 stars; one submission).

Conditions:
BBS4-related disorder. Also called: BBS4-related condition.

Submission:

PreventionGenetics, part of Exact Sciences
Classification: Uncertain significance for BBS4-related condition. Last evaluated: 2025-05-07. Review status: criteria provided, single submitter. Criteria: ACMG Guidelines, 2015. Collection method: clinical testing. Allele origin: germline.
Comment: The BBS4 c.336T>G variant is predicted to result in the amino acid substitution p.Phe112Leu. To our knowledge, this variant has not been reported in the literature or in a large population database (gnomAD), indicating this variant is rare. At this time, the clinical significance of this variant is uncertain due to the absence of conclusive functional and genetic evidence.

NM_033028.5(BBS4):c.336T>G (p.Phe112Leu)

Gene: BBS4 (Bardet-Biedl syndrome 4; plus strand). Cytogenetic location: 15q24.1.
Variant type: single nucleotide variant.
Coding change: c.336T>G on transcript NM_033028.5 (MANE Select); coding-DNA position 336, T replaced by G.
Protein change: p.Phe112Leu; replaces phenylalanine 112 with leucine.
Molecular consequence: missense variant. On other transcripts: 5 prime UTR variant (1), non-coding transcript variant (2).
Genome position (GRCh38, 1-based): chr15:72,716,781, T>G. VCF-style: chr15-72716781-T-G. GRCh37 (hg19) VCF-style: chr15-73009122-T-G.
Other names: c.-186T>G (NM_001252678.2); c.336T>G, p.Phe112Leu (NM_001320665.2); short protein forms F112L.
Identifiers: ClinVar variation 4980376 (VCV004980376.1).